The following is an entry in ClinVar:

ClinVar aggregate classification (germline): Uncertain significance (1 of 4 stars; one submission).

Conditions:
Nemaline myopathy 6 (NEM6). Also called: Nemaline myopathy 6, autosomal dominant. Identifiers: Orphanet 171439, MedGen C1836472, MONDO:0012237, OMIM 609273.

Submission:

Labcorp Genetics (formerly Invitae), Labcorp
Classification: Uncertain significance for Nemaline myopathy 6. Last evaluated: 2023-07-13. Review status: criteria provided, single submitter. Criteria: Invitae Variant Classification Sherloc (09022015). Collection method: clinical testing. Allele origin: germline.
Comment: This sequence change replaces aspartic acid, which is acidic and polar, with glutamic acid, which is acidic and polar, at codon 234 of the KBTBD13 protein (p.Asp234Glu). This variant is present in population databases (no rsID available, gnomAD 0.002%). This variant has not been reported in the literature in individuals affected with KBTBD13-related conditions. ClinVar contains an entry for this variant (Variation ID: 567176). Advanced modeling of protein sequence and biophysical properties (such as structural, functional, and spatial information, amino acid conservation, physicochemical variation, residue mobility, and thermodynamic stability) performed at Invitae indicates that this missense variant is not expected to disrupt KBTBD13 protein function. In summary, the available evidence is currently insufficient to determine the role of this variant in disease. Therefore, it has been classified as a Variant of Uncertain Significance.

NM_001101362.3(KBTBD13):c.702C>G (p.Asp234Glu)

Gene: KBTBD13 (kelch repeat and BTB domain containing 13; plus strand). Cytogenetic location: 15q22.31.
Variant type: single nucleotide variant.
Coding change: c.702C>G on transcript NM_001101362.3 (MANE Select); coding-DNA position 702, C replaced by G.
Protein change: p.Asp234Glu; replaces aspartic acid 234 with glutamic acid.
Molecular consequence: missense variant.
Genome position (GRCh38, 1-based): chr15:65,077,517, C>G. VCF-style: chr15-65077517-C-G. GRCh37 (hg19) VCF-style: chr15-65369855-C-G.
Other names: short protein forms D234E.
Identifiers: ClinVar variation 567176 (VCV000567176.7), dbSNP rs761192296, ClinGen allele CA392862496.
Genomic context (GRCh38, chr15:65,077,517, plus strand): 5'-GGGGGGCGTGCGCGGCGCCAGCAAGGAGGTGGTAGAGCTGGGCTTCTGCTACGACCCCGA[C>G]GGCGGCACGTGGCACGAGTTCCCCAGCCCGCACCAGCCGCGCTATGACACAGCGCTGGCC-3'
Protein context (NP_001094832.1, residues 224-244): VVELGFCYDP[Asp234Glu]GGTWHEFPSP